The following is an entry in ClinVar:

ClinVar aggregate classification (germline): Uncertain significance (1 of 4 stars; one submission).

gnomAD v4.1: 12 of 1,068,378 alleles (0.0011%); highest among the groups gnomAD compares: African/African-American, 0.0017%; 1 homozygote.

Submission:

CeGaT Center for Human Genetics Tuebingen
Classification: Uncertain significance. Last evaluated: 2025-02-01. Review status: criteria provided, single submitter. Criteria: CeGaT Center For Human Genetics Tuebingen Variant Classification Criteria Version 2. Collection method: clinical testing. Allele origin: germline. Affected: yes. Observed: 1 variant allele.
Comment: TRIO: PP3

NM_007118.4(TRIO):c.6917G>C (p.Gly2306Ala)

Gene: TRIO (trio Rho guanine nucleotide exchange factor; plus strand). Cytogenetic location: 5p15.2.
Variant type: single nucleotide variant.
Coding change: c.6917G>C on transcript NM_007118.4 (MANE Select); coding-DNA position 6917, G replaced by C.
Protein change: p.Gly2306Ala; replaces glycine 2306 with alanine.
Molecular consequence: missense variant. On other transcripts: non-coding transcript variant (1).
Genome position (GRCh38, 1-based): chr5:14,487,545, G>C. VCF-style: chr5-14487545-G-C. GRCh37 (hg19) VCF-style: chr5-14487654-G-C.
Other names: short protein forms G2306A.
Identifiers: ClinVar variation 3770565 (VCV003770565.13).